The following is an entry in ClinVar:

NM_017617.5(NOTCH1):c.4422G>A (p.Trp1474Ter)

Gene: NOTCH1 (notch receptor 1; minus strand). Cytogenetic location: 9q34.3.
Variant type: single nucleotide variant.
Coding change: c.4422G>A on transcript NM_017617.5 (MANE Select); coding-DNA position 4422, G replaced by A.
Protein change: p.Trp1474Ter; replaces tryptophan 1474 with a stop codon.
Molecular consequence: nonsense.
Genome position (GRCh38, 1-based): chr9:136,505,474, C>T on the plus strand (G>A on the coding strand, the complement: NOTCH1 is on the minus strand). VCF-style: chr9-136505474-C-T. GRCh37 (hg19) VCF-style: chr9-139399926-C-T.
Other names: short protein forms W1474*.
Identifiers: ClinVar variation 4888421 (VCV004888421.1).

ClinVar aggregate classification (germline): Likely pathogenic (1 of 4 stars; one submission).

Conditions:
Aortic valve disease 1 (AOVD1). Identifiers: MedGen C3887892, MONDO:0024523, OMIM 109730.
Adams-Oliver syndrome 5 (AOS5). Identifiers: Orphanet 974, MedGen C4014970, MONDO:0014459, OMIM 616028.

Submission:

New York Genome Center
Classification: Likely pathogenic for Aortic valve disease 1; Adams-Oliver syndrome 5. Last evaluated: 2025-02-07. Review status: criteria provided, single submitter. Criteria: NYGC Assertion Criteria 2020. Collection method: clinical testing. Allele origin: de novo. Observed: 1 variant allele, 1 heterozygote.
Comment: The c.4422G>A variant in NOTCH1 has not previously been reported in the literature or publicly available variant repositories (ClinVar), and it is not observed on gnomAD v4.1.0, suggesting it is not a common benign variant in the populations represented in that dataset. The c.4422G>A variant in NOTCH1 is located in exon 25 of this 34-exon gene and predicted to result in loss-of-function via nonsense mediated decay upon incorporation of a premature stop codon at amino acid 1474 of this 2555-amino acid transcript (p.(Trp1474Ter)). Multiple predicted loss-of-function variants in exon 25 have been reported in the literature (PMID: 38778082, 16025100) and in the ClinVar database. Based on available evidence this apparently de novo heterozygous c.4422G>A p.(Trp1474Ter) variant identified in NOTCH1 is classified as Likely Pathogenic.